The following is an entry in ClinVar:

ClinVar aggregate classification (germline): Uncertain significance. Review status: criteria provided, multiple submitters, no conflicts (2 of 4 stars). 2 submissions from 2 submitters: Uncertain significance (2). Last evaluated 2021-10-11.

Conditions:
Developmental and epileptic encephalopathy, 12 (DEE12). Identifiers: MedGen C3150988, MONDO:0013389, OMIM 613722.

Allele frequency attached by ClinVar (database versions not stated): TOPMed below 0.00001; gnomAD exomes 0.00001.
gnomAD v4.1: 7 of 1,613,336 alleles (0.00043%); highest among the groups gnomAD compares: Admixed American, 0.0067%; no homozygotes.

Submissions (2):

Labcorp Genetics (formerly Invitae), Labcorp
Classification: Uncertain significance for Developmental and epileptic encephalopathy, 12. Last evaluated: 2021-10-11. Review status: criteria provided, single submitter. Criteria: Invitae Variant Classification Sherloc (09022015). Collection method: clinical testing. Allele origin: germline.
Comment: This sequence change replaces methionine with valine at codon 477 of the PNKP protein (p.Met477Val). The methionine residue is moderately conserved and there is a small physicochemical difference between methionine and valine. This variant is not present in population databases (ExAC no frequency). In summary, the available evidence is currently insufficient to determine the role of this variant in disease. Therefore, it has been classified as a Variant of Uncertain Significance. Algorithms developed to predict the effect of missense changes on protein structure and function output the following: SIFT: "Tolerated"; PolyPhen-2: "Benign"; Align-GVGD: "Class C0". The valine amino acid residue is found in multiple mammalian species, which suggests that this missense change does not adversely affect protein function. ClinVar contains an entry for this variant (Variation ID: 206417). This variant has not been reported in the literature in individuals affected with PNKP-related conditions.

GeneDx
Classification: Uncertain significance. Last evaluated: 2014-05-08. Review status: criteria provided, single submitter. Criteria: GeneDx Variant Classification (06012015). Collection method: clinical testing. Allele origin: germline. Affected: yes.
Comment: p.Met477Val (ATG>GTG): c.1429 A>G in exon 16 of the PNKP gene (NM_007254.2) A variant of unknown significance has been identified in the PNKP gene. The M477V variant has not been published as a mutation, nor has it been reported as a benign polymorphism to our knowledge. It was not observed in approximately 6,500 individuals of European and African American ancestry in the NHLBI Exome Sequencing Project, indicating it is not a common benign variant in these populations The M477V variant is a conservative amino acid substitution, which is not likely to impact secondary protein structure as these residues share similar properties. This substitution occurs at a position that is not conserved across species. Missense mutations in other nearby residues have not been reported. However, in silico analysis is inconsistent in its predictions as to whether or not the M477V variant is damaging to the protein structure/function. Therefore, based on the currently available information, it is unclear whether this variant is a pathogenic mutation or a rare benign variant.The variant is found in EPILEPSY panel(s).

NM_007254.4(PNKP):c.1429A>G (p.Met477Val)

Gene: PNKP (polynucleotide kinase 3'-phosphatase; minus strand). Cytogenetic location: 19q13.33.
Variant type: single nucleotide variant.
Coding change: c.1429A>G on transcript NM_007254.4 (MANE Select); coding-DNA position 1429, A replaced by G.
Protein change: p.Met477Val; replaces methionine 477 with valine.
Molecular consequence: missense variant.
Genome position (GRCh38, 1-based): chr19:49,861,468, T>C on the plus strand (A>G on the coding strand, the complement: PNKP is on the minus strand). VCF-style: chr19-49861468-T-C. GRCh37 (hg19) VCF-style: chr19-50364725-T-C.
Other names: p.M477V:ATG>GTG; short protein forms M477V.
Identifiers: ClinVar variation 206417 (VCV000206417.7), dbSNP rs796052856, ClinGen allele CA316511.